The following is an entry in ClinVar:

ClinVar aggregate classification (germline): Conflicting classifications of pathogenicity. Review status: criteria provided, conflicting classifications (1 of 4 stars). 4 submissions from 4 submitters: Uncertain significance (3); Likely benign (1). Last evaluated 2025-10-06.

Conditions:
Emery-Dreifuss muscular dystrophy 5, autosomal dominant (EDMD5). Also called: EMERY-DREIFUSS MUSCULAR DYSTROPHY 5. Identifiers: Orphanet 261, MedGen C2751805, MONDO:0013072, OMIM 612999.

Allele frequency attached by ClinVar (database versions not stated): ExAC 0.00003; gnomAD 0.00005 and 0.00007; TOPMed 0.00010.
gnomAD v4.1: 112 of 1,614,022 alleles (0.0069%); highest among the groups gnomAD compares: Non-Finnish European, 0.0088%; no homozygotes.

Submissions (4):

Ambry Genetics
Classification: Uncertain significance. Last evaluated: 2025-10-06. Review status: criteria provided, single submitter. Criteria: Ambry Variant Classification Scheme 2023. Collection method: clinical testing. Allele origin: germline.

Labcorp Genetics (formerly Invitae), Labcorp
Classification: Uncertain significance for Emery-Dreifuss muscular dystrophy 5, autosomal dominant. Last evaluated: 2025-10-05. Review status: criteria provided, single submitter. Criteria: Invitae Variant Classification Sherloc (09022015). Collection method: clinical testing. Allele origin: germline.
Comment: This sequence change replaces threonine, which is neutral and polar, with asparagine, which is neutral and polar, at codon 6901 of the SYNE2 protein (p.Thr6901Asn). This variant is present in population databases (rs760936547, gnomAD 0.009%). This variant has not been reported in the literature in individuals affected with SYNE2-related conditions. ClinVar contains an entry for this variant (Variation ID: 313670). An algorithm developed to predict the effect of missense changes on protein structure and function (PolyPhen-2) suggests that this variant is likely to be disruptive. In summary, the available evidence is currently insufficient to determine the role of this variant in disease. Therefore, it has been classified as a Variant of Uncertain Significance.

CeGaT Center for Human Genetics Tuebingen
Classification: Uncertain significance. Last evaluated: 2023-11-01. Review status: criteria provided, single submitter. Criteria: CeGaT Center For Human Genetics Tuebingen Variant Classification Criteria Version 2. Collection method: clinical testing. Allele origin: germline. Affected: yes. Observed: 1 variant allele.

Illumina Laboratory Services, Illumina
Classification: Likely benign for Emery-Dreifuss muscular dystrophy 5, autosomal dominant. Last evaluated: 2018-01-13. Review status: criteria provided, single submitter. Criteria: ICSL Variant Classification Criteria 13 December 2019. Collection method: clinical testing. Allele origin: germline.
Comment: This variant was observed in the ICSL laboratory as part of a predisposition screen in an ostensibly healthy population. It had not been previously curated by ICSL or reported in the Human Gene Mutation Database (HGMD: prior to June 1st, 2018), and was therefore a candidate for classification through an automated scoring system. Utilizing variant allele frequency, disease prevalence and penetrance estimates, and inheritance mode, an automated score was calculated to assess if this variant is too frequent to cause the disease. Based on the score and internal cut-off values, a variant classified as likely benign is not then subjected to further curation. The score for this variant resulted in a classification of likely benign for this disease.

NM_182914.3(SYNE2):c.20702C>A (p.Thr6901Asn)

Gene: SYNE2 (spectrin repeat containing nuclear envelope protein 2; plus strand). Cytogenetic location: 14q23.2.
Variant type: single nucleotide variant.
Coding change: c.20702C>A on transcript NM_182914.3 (MANE Select); coding-DNA position 20702, C replaced by A.
Protein change: p.Thr6901Asn; replaces threonine 6901 with asparagine.
Molecular consequence: missense variant.
Genome position (GRCh38, 1-based): chr14:64,225,504, C>A. VCF-style: chr14-64225504-C-A. GRCh37 (hg19) VCF-style: chr14-64692222-C-A.
Other names: c.20636C>A, p.Thr6879Asn (NM_015180.6); c.1268C>A, p.Thr423Asn (NM_182910.2); c.1649C>A, p.Thr550Asn (NM_182913.4); short protein forms T6901N, T423N, T550N, T6879N.
Identifiers: ClinVar variation 313670 (VCV000313670.37), dbSNP rs760936547, ClinGen allele CA7224998.